The following is an entry in ClinVar:

NM_004172.5(SLC1A3):c.370G>A (p.Val124Ile)

Genes: SLC1A3 (solute carrier family 1 member 3; plus strand), SLC1A3-AS1 (SLC1A3 antisense RNA 1; minus strand). Cytogenetic location: 5p13.2.
Variant type: single nucleotide variant.
Coding change: c.370G>A on transcript NM_004172.5 (MANE Select); coding-DNA position 370, G replaced by A.
Protein change: p.Val124Ile; replaces valine 124 with isoleucine.
Molecular consequence: missense variant.
Genome position (GRCh38, 1-based): chr5:36,671,079, G>A. VCF-style: chr5-36671079-G-A. GRCh37 (hg19) VCF-style: chr5-36671181-G-A.
Other names: c.370G>A, p.Val124Ile (NM_001166695.3, NM_001289940.2); c.232G>A, p.Val78Ile (NM_001289939.2); short protein forms V124I, V78I.
Identifiers: ClinVar variation 1712195 (VCV001712195.2), dbSNP rs1741974510, ClinGen allele CA359477271.

ClinVar aggregate classification (germline): Uncertain significance (1 of 4 stars; one submission).

Allele frequency attached by ClinVar (database versions not stated): gnomAD exomes below 0.00001.
gnomAD v4.1: 2 of 1,614,046 alleles (0.00012%); highest among the groups gnomAD compares: East Asian, 0.0045%; no homozygotes.

Submission:

GeneDx
Classification: Uncertain significance. Last evaluated: 2022-04-20. Review status: criteria provided, single submitter. Criteria: GeneDx Variant Classification Process June 2021. Collection method: clinical testing. Allele origin: germline. Affected: yes.
Comment: Not observed at significant frequency in large population cohorts (gnomAD); In silico analysis supports that this missense variant does not alter protein structure/function; Has not been previously published as pathogenic or benign to our knowledge